The following is an entry in ClinVar:

NM_007327.4(GRIN1):c.1255A>G (p.Thr419Ala)

Gene: GRIN1 (glutamate ionotropic receptor NMDA type subunit 1; plus strand). Cytogenetic location: 9q34.3.
Variant type: single nucleotide variant.
Coding change: c.1255A>G on transcript NM_007327.4 (MANE Select); coding-DNA position 1255, A replaced by G.
Protein change: p.Thr419Ala; replaces threonine 419 with alanine.
Molecular consequence: missense variant.
Genome position (GRCh38, 1-based): chr9:137,161,113, A>G. VCF-style: chr9-137161113-A-G. GRCh37 (hg19) VCF-style: chr9-140055565-A-G.
Other names: c.1255A>G, p.Thr419Ala (NM_000832.7, NM_021569.4); c.1318A>G, p.Thr440Ala (NM_001185090.2, NM_001185091.2); short protein forms T419A, T440A.
Identifiers: ClinVar variation 943488 (VCV000943488.14), dbSNP rs763133592, ClinGen allele CA5360877.
Genomic context (GRCh38, chr9:137,161,113, plus strand): 5'-CAGATTGTGACGATCCACCAGGAGCCCTTCGTGTACGTCAAGCCCACGCTGAGTGATGGG[A>G]CATGCAAGGAGGAGTTCACAGTCAACGGCGACCCAGTCAAGAAGGTGATCTGCACCGGGC-3'
Protein context (NP_015566.1, residues 409-429): VYVKPTLSDG[Thr419Ala]CKEEFTVNGD

ClinVar aggregate classification (germline): Conflicting classifications of pathogenicity. Review status: criteria provided, conflicting classifications (1 of 4 stars). 4 submissions from 4 submitters: Uncertain significance (3); Likely benign (1). Last evaluated 2026-01-05.

Conditions:
Neurodevelopmental disorder with or without hyperkinetic movements and seizures, autosomal dominant. Also called: Intellectual disability, autosomal dominant 8. Identifiers: MedGen C3280282, MONDO:0013655, OMIM 614254.
Inborn genetic diseases. Identifiers: MedGen C0950123, MeSH D030342.

Allele frequency attached by ClinVar (database versions not stated): gnomAD exomes 0.00002 and 0.00004; ExAC 0.00006; TOPMed 0.00006; gnomAD 0.00007 and 0.00008.
gnomAD v4.1: 43 of 1,612,720 alleles (0.0027%); highest among the groups gnomAD compares: Non-Finnish European, 0.0036%; no homozygotes.

Submissions (4):

Labcorp Genetics (formerly Invitae), Labcorp
Classification: Likely benign for Neurodevelopmental disorder with or without hyperkinetic movements and seizures, autosomal dominant. Last evaluated: 2026-01-05. Review status: criteria provided, single submitter. Criteria: Invitae Variant Classification Sherloc (09022015). Collection method: clinical testing. Allele origin: germline.

Women's Health and Genetics/Laboratory Corporation of America, LabCorp
Classification: Uncertain significance. Last evaluated: 2025-03-26. Review status: criteria provided, single submitter. Criteria: LabCorp Variant Classification Summary - May 2015. Collection method: clinical testing. Allele origin: germline.
Comment: Variant summary: GRIN1 c.1255A>G (p.Thr419Ala) results in a non-conservative amino acid change in the encoded protein sequence. Three of five in-silico tools predict a benign effect of the variant on protein function. The variant allele was found at a frequency of 4.4e-05 in 250076 control chromosomes. This frequency is not significantly higher than estimated for a pathogenic variant in GRIN1 causing Neurodevelopmental Disorder With Or Without Hyperkinetic Movements And Seizures, Autosomal Dominant, allowing no conclusion about variant significance. To our knowledge, no occurrence of c.1255A>G in individuals affected with Neurodevelopmental Disorder With Or Without Hyperkinetic Movements And Seizures, Autosomal Dominant and no experimental evidence demonstrating its impact on protein function have been reported. ClinVar contains an entry for this variant (Variation ID: 943488). Based on the evidence outlined above, the variant was classified as uncertain significance.

Blueprint Genetics
Classification: Uncertain significance. Last evaluated: 2024-11-12. Review status: criteria provided, single submitter. Criteria: ACMG Guidelines, 2015. Collection method: clinical testing. Allele origin: germline.

Ambry Genetics
Classification: Uncertain significance for Inborn genetic diseases. Last evaluated: 2019-05-30. Review status: criteria provided, single submitter. Criteria: Ambry Variant Classification Scheme 2023. Collection method: clinical testing. Allele origin: germline.
Comment: The p.T419A variant (also known as c.1255A>G), located in coding exon 9 of the GRIN1 gene, results from an A to G substitution at nucleotide position 1255. The threonine at codon 419 is replaced by alanine, an amino acid with similar properties. This amino acid position is highly conserved in available vertebrate species. In addition, this alteration is predicted to be tolerated by in silico analysis. Since supporting evidence is limited at this time, the clinical significance of this alteration remains unclear.